The following is an entry in ClinVar:

NM_002907.4(RECQL):c.145T>A (p.Cys49Ser)

Gene: RECQL (RecQ like helicase; minus strand). Cytogenetic location: 12p12.1.
Variant type: single nucleotide variant.
Coding change: c.145T>A on transcript NM_002907.4 (MANE Select); coding-DNA position 145, T replaced by A.
Protein change: p.Cys49Ser; replaces cysteine 49 with serine.
Molecular consequence: missense variant.
Genome position (GRCh38, 1-based): chr12:21,491,588, A>T on the plus strand (T>A on the coding strand, the complement: RECQL is on the minus strand). VCF-style: chr12-21491588-A-T. GRCh37 (hg19) VCF-style: chr12-21644522-A-T.
Other names: c.145T>A, p.Cys49Ser (NM_032941.3); short protein forms C49S.
Identifiers: ClinVar variation 3625732 (VCV003625732.2).

ClinVar aggregate classification (germline): Uncertain significance (1 of 4 stars; one submission).

gnomAD v4.1: 1 of 1,613,034 alleles (0.000062%); highest among the groups gnomAD compares: Non-Finnish European, 0.000085%; no homozygotes.

Submission:

Labcorp Genetics (formerly Invitae), Labcorp
Classification: Uncertain significance. Last evaluated: 2024-06-30. Review status: criteria provided, single submitter. Criteria: Invitae Variant Classification Sherloc (09022015). Collection method: clinical testing. Allele origin: germline.
Comment: This sequence change replaces cysteine, which is neutral and slightly polar, with serine, which is neutral and polar, at codon 49 of the RECQL protein (p.Cys49Ser). This variant is not present in population databases (gnomAD no frequency). This variant has not been reported in the literature in individuals affected with RECQL-related conditions. Algorithms developed to predict the effect of missense changes on protein structure and function output the following: SIFT: "Not Available"; PolyPhen-2: "Benign"; Align-GVGD: "Not Available". The serine amino acid residue is found in multiple mammalian species, which suggests that this missense change does not adversely affect protein function. In summary, the available evidence is currently insufficient to determine the role of this variant in disease. Therefore, it has been classified as a Variant of Uncertain Significance.